The following is an entry in ClinVar:

NM_007373.4(SHOC2):c.1482dup (p.Asn495Ter)

Gene: SHOC2 (SHOC2 leucine rich repeat scaffold protein; plus strand). Cytogenetic location: 10q25.2.
Variant type: Duplication.
Coding change: c.1482dup on transcript NM_007373.4 (MANE Select); coding-DNA position 1482, one base duplicated (T; older notation c.1482dupT).
Protein change: p.Asn495Ter; replaces asparagine 495 with a stop codon.
Molecular consequence: nonsense. On other transcripts: non-coding transcript variant (1).
Genome position (GRCh38, 1-based): chr10:111,009,772, T duplicated. VCF-style (leftmost placement, unchanged base first): chr10-111009771-C-CT. GRCh37 (hg19) VCF-style: chr10-112769529-C-CT.
Other names: c.1344dup, p.Asn449Ter (NM_001269039.3); c.1482dup, p.Asn495Ter (NM_001324336.2, NM_001324337.2); short protein forms N449*, N495*.
Identifiers: ClinVar variation 2711844 (VCV002711844.3), dbSNP rs2493960012, ClinGen allele CA2697558793.

ClinVar aggregate classification (germline): Uncertain significance (1 of 4 stars; one submission).

Conditions:
RASopathy. Also called: rasopathies; Noonan spectrum disorder. Identifiers: Orphanet 536391, MedGen C5555857, MONDO:0021060.

Submission:

Labcorp Genetics (formerly Invitae), Labcorp
Classification: Uncertain significance for RASopathy. Last evaluated: 2024-10-30. Review status: criteria provided, single submitter. Criteria: Invitae Variant Classification Sherloc (09022015). Collection method: clinical testing. Allele origin: germline.
Comment: This sequence change creates a premature translational stop signal (p.Asn495*) in the SHOC2 gene. It is expected to result in an absent or disrupted protein product. However, the current clinical and genetic evidence is not sufficient to establish whether loss-of-function variants in SHOC2 cause disease. This variant is not present in population databases (gnomAD no frequency). This variant has not been reported in the literature in individuals affected with SHOC2-related conditions. ClinVar contains an entry for this variant (Variation ID: 2711844). In summary, the available evidence is currently insufficient to determine the role of this variant in disease. Therefore, it has been classified as a Variant of Uncertain Significance.